The following is an entry in ClinVar:

ClinVar aggregate classification (germline): Likely benign (1 of 4 stars; one submission).

Submission:

Laboratory for Molecular Medicine, Mass General Brigham Personalized Medicine
Classification: Likely benign. Last evaluated: 2015-12-04. Review status: criteria provided, single submitter. Criteria: LMM Criteria. Collection method: clinical testing. Allele origin: germline. Observed: 1 variant allele.
Comment: c.36310+15A>C in intron 186 of TTN: This variant is not expected to have clinica l significance because it is not located within the splice consensus sequence.

NM_001267550.2(TTN):c.44014+15A>C

Gene: TTN (titin; minus strand). Cytogenetic location: 2q31.2.
Variant type: single nucleotide variant.
Coding change: c.44014+15A>C on transcript NM_001267550.2 (MANE Select); 15 bases into the intron after coding-DNA position 44014, A replaced by C.
Molecular consequence: intron variant.
Genome position (GRCh38, 1-based): chr2:178,631,019, T>G on the plus strand (A>C on the coding strand, the complement: TTN is on the minus strand). VCF-style: chr2-178631019-T-G. GRCh37 (hg19) VCF-style: chr2-179495746-T-G.
Other names: c.16819+15A>C (NM_003319.4); c.17395+15A>C (NM_133437.4); c.17194+15A>C (NM_133432.3); c.36310+15A>C (NM_133378.4); c.39091+15A>C (NM_001256850.1).
Identifiers: ClinVar variation 228093 (VCV000228093.5), dbSNP rs876657605, ClinGen allele CA10576530.
Genomic context (GRCh38, chr2:178,631,019, plus strand): 5'-GCCAGCATGGGTCATTAGCCTCTGGCACAAATAACCCCAATGCTTCAAGAGTGAAACTCA[T>G]GGAAATTTCCTTACCCTCAATGTCAAGTTTTCCTGAGGTCTTATCTGTCCCACAGTCACA-3'